The following is an entry in ClinVar:

ClinVar aggregate classification (germline): Uncertain significance (1 of 4 stars; one submission).

Conditions:
Agammaglobulinemia 2, autosomal recessive (AGM2). Also called: AGAMMAGLOBULINEMIA, AUTOSOMAL RECESSIVE, DUE TO IGLL1 DEFECT. Identifiers: MedGen C3150750, MONDO:0013287, OMIM 613500.

Allele frequency attached by ClinVar (database versions not stated): gnomAD exomes 0.00001 and 0.00003.
gnomAD v4.1: 41 of 1,599,390 alleles (0.0026%); highest among the groups gnomAD compares: Non-Finnish European, 0.0034%; no homozygotes.

Submission:

Labcorp Genetics (formerly Invitae), Labcorp
Classification: Uncertain significance for Agammaglobulinemia 2, autosomal recessive. Last evaluated: 2025-06-02. Review status: criteria provided, single submitter. Criteria: Invitae Variant Classification Sherloc (09022015). Collection method: clinical testing. Allele origin: germline.
Comment: This sequence change falls in intron 2 of the IGLL1 gene. It does not directly change the encoded amino acid sequence of the IGLL1 protein. It affects a nucleotide within the consensus splice site. This variant is present in population databases (rs753787644, gnomAD 0.003%). This variant has not been reported in the literature in individuals affected with IGLL1-related conditions. ClinVar contains an entry for this variant (Variation ID: 1500012). Variants that disrupt the consensus splice site are a relatively common cause of aberrant splicing (PMID: 17576681, 9536098). Algorithms developed to predict the effect of sequence changes on RNA splicing suggest that this variant may disrupt the consensus splice site. In summary, the available evidence is currently insufficient to determine the role of this variant in disease. Therefore, it has been classified as a Variant of Uncertain Significance.

Literature cited by the submitters: PubMed 17576681; PubMed 9536098.

NM_020070.4(IGLL1):c.322+4A>T

Gene: IGLL1 (immunoglobulin lambda like polypeptide 1; minus strand). Cytogenetic location: 22q11.23.
Variant type: single nucleotide variant.
Coding change: c.322+4A>T on transcript NM_020070.4 (MANE Select); 4 bases into the intron after coding-DNA position 322, A replaced by T.
Molecular consequence: intron variant.
Genome position (GRCh38, 1-based): chr22:23,574,963, T>A on the plus strand (A>T on the coding strand, the complement: IGLL1 is on the minus strand). VCF-style: chr22-23574963-T-A. GRCh37 (hg19) VCF-style: chr22-23917150-T-A.
Other names: c.207-1378A>T (NM_152855.3); c.325+4A>T (NM_001369906.1).
Identifiers: ClinVar variation 1500012 (VCV001500012.6), dbSNP rs753787644, ClinGen allele CA10143334.